The following continues an entry in ClinVar:

NM_004415.4(DSP):c.478C>T (p.Arg160Ter)

Gene: DSP. ClinVar aggregate classification (germline): Pathogenic/Likely pathogenic. Pathogenic (10); Likely pathogenic (1).

Submissions 7 to 11 of 11:

Ambry Genetics
Classification: Pathogenic for Cardiovascular phenotype. Last evaluated: 2023-01-31. Review status: criteria provided, single submitter. Criteria: Ambry Variant Classification Scheme 2023. Collection method: clinical testing. Allele origin: germline.
Comment: The p.R160* pathogenic mutation (also known as c.478C>T), located in coding exon 4 of the DSP gene, results from a C to T substitution at nucleotide position 478. This changes the amino acid from an arginine to a stop codon within coding exon 4. This alteration has been reported in arrhythmogenic right ventricular cardiomyopathy (ARVC) and dilated cardiomyopathy (DCM) patients (te Riele AS et al. J. Am. Coll. Cardiol., 2013 Nov;62:1761-9; Asimaki A et al. Circ Arrhythm Electrophysiol, 2016 Feb;9:e003688; Walsh R et al. Genet. Med., 2017 Feb;19:192-203). This variant is considered to be rare based on population cohorts in the Genome Aggregation Database (gnomAD). Alterations in DSP that result in haploinsufficiency or protein truncation have been reported in additional patients with ARVC and DCM (Fressart V et al. Europace. 2010;12(6):861-8; Elliott P et al. Circ Cardiovasc Genet. 2010;3(4):314-22; Quarta G et al. Circulation. 2011;123(23):2701-9; Garcia-Pavia P et al. Heart. 2011;97(21):1744-52; Rasmussen TB et al. Clin Genet. 2013;84(1):20-30; Pugh TJ et al. Genet Med. 2014;16(8):601-8). This alteration is expected to result in loss of function by premature protein truncation or nonsense-mediated mRNA decay. As such, this alteration is interpreted as a disease-causing mutation.

Mayo Clinic Laboratories, Mayo Clinic
Classification: Pathogenic. Last evaluated: 2022-12-07. Review status: criteria provided, single submitter. Criteria: ACMG Guidelines, 2015. Collection method: clinical testing. Allele origin: germline. Observed: 3 variant alleles.
Comment: PM2_supporting, PS4, PVS1

Agnes Ginges Centre for Molecular Cardiology, Centenary Institute
Classification: Pathogenic for Primary dilated cardiomyopathy. Last evaluated: 2018-02-28. Review status: criteria provided, single submitter. Criteria: ACMG Guidelines, 2015. Collection method: research. Allele origin: germline. Inheritance: Autosomal dominant inheritance. Affected: yes.
Comment: This DSP Arg160Ter variant has been reported in 2 ARVC (te Riele et al., 2013, Walsh et al., 2017) and 1 DCM patient (Walsh et al., 2017). This variant is rare and is absent in the Genome Aggregation Database. Further, it has been found that nonsense mutations in DSP can lead to haploinsufficiency (Yang et al., 2006). In summary, because loss of function variants in DSP are a known mechanism of disease, the variant has been identified in several other affected probands and segregates to affected family members we classify DSP Arg160Ter as pathogenic.

Stanford Center for Inherited Cardiovascular Disease, Stanford University
Classification: Pathogenic. Last evaluated: 2016-12-09. Review status: criteria provided, single submitter. Criteria: ACMG Guidelines, 2015. Collection method: provider interpretation. Allele origin: germline.

Laboratory for Molecular Medicine, Mass General Brigham Personalized Medicine
Classification: Likely pathogenic for Arrhythmogenic right ventricular cardiomyopathy. Last evaluated: 2016-10-17. Review status: criteria provided, single submitter. Criteria: LMM Criteria. Collection method: clinical testing. Allele origin: germline. Inheritance: Autosomal dominant inheritance. Observed: 8 variant alleles.
Comment: The p.Arg160X variant in DSP has been reported in 1 heterozygote with ARVC and 2 heterozygotes with ARVC/DCM, woolly hair, and palmoplantar keratoderma (Te Riel e 2013, LMM Data). It was absent from large population studies. This nonsense variant leads to a prem ature termination codon at position 160, which is predicted to lead to a truncat ed or absent protein. Frameshift and nonsense variants in DSP have been reported in patients with ARVC, but recent evidence supports that they can also cause DCM (Pugh 2014). When inherited in a recessive manner, multiple variants in DSP can result in ARVC or DCM with woolly hair and keratod erma or other skin findings (Norgett 2000, Alcalai 2003). In summary, although a dditional studies are required to fully establish its clinical significance, the p.Arg160X variant is likely pathogenic.

Literature cited by the submitters: PubMed 20716751 (cited by Labcorp Genetics (formerly Invitae), Labcorp); PubMed 24503780 (cited by Labcorp Genetics (formerly Invitae), Labcorp); PubMed 25227139 (cited by Labcorp Genetics (formerly Invitae), Labcorp); PubMed 30398466 (cited by Labcorp Genetics (formerly Invitae), Labcorp); PubMed 23810894 (cited by 5 submitters); PubMed 25616645 (cited by 3 submitters); PubMed 27532257 (cited by 5 submitters); PubMed 28588093 (cited by 3 submitters); PubMed 31317183 (cited by 3 submitters); PubMed 31319917 (cited by 3 submitters); PubMed 33079602 (cited by 4 submitters); PubMed 34352074 (cited by 3 submitters); PubMed 35151254 (cited by 3 submitters); PubMed 26850880 (cited by 3 submitters); PubMed 29062697 (cited by Victorian Clinical Genetics Services, Murdoch Childrens Research Institute); PubMed 36580316 (cited by Victorian Clinical Genetics Services, Murdoch Childrens Research Institute); PubMed 29633331 (cited by Mayo Clinic Laboratories, Mayo Clinic); PubMed 31386562 (cited by Mayo Clinic Laboratories, Mayo Clinic); PubMed 31402444 (cited by Mayo Clinic Laboratories, Mayo Clinic); PubMed 32372669 (cited by Mayo Clinic Laboratories, Mayo Clinic).